The following is an entry in ClinVar:

ClinVar aggregate classification (germline): Conflicting classifications of pathogenicity. Review status: criteria provided, conflicting classifications (1 of 4 stars). 4 submissions from 4 submitters: Uncertain significance (1); Likely benign (3). Last evaluated 2026-05-15.

Conditions:
Cardiomyopathy (CMYO). Also called: Cardiomyopathies. Identifiers: Orphanet 167848, MedGen C0878544, MONDO:0004994, HP:0001638. Inheritance: Various modes of inheritance.
Cardiovascular phenotype. Identifiers: MedGen CN230736.
Hypertrophic cardiomyopathy. Also called: HYPERTROPHIC MYOCARDIOPATHY. Identifiers: Orphanet 217569, MedGen C0007194, MeSH D002312, MONDO:0005045, HP:0001639.

Allele frequency attached by ClinVar (database versions not stated): gnomAD exomes 0.00001; ExAC 0.00001.
gnomAD v4.1: 2 of 1,614,048 alleles (0.00012%); highest among the groups gnomAD compares: Non-Finnish European, 0.00017%; no homozygotes.

Submissions (4):

Ambry Genetics
Classification: Uncertain significance for Cardiovascular phenotype. Last evaluated: 2026-05-15. Review status: criteria provided, single submitter. Criteria: Ambry Variant Classification Scheme 2023. Collection method: clinical testing. Allele origin: germline.
Comment: The c.2289C>T variant (also known as p.N763N), located in coding exon 23 of the MYBPC3 gene, results from a C to T substitution at nucleotide position 2289. This nucleotide substitution does not change the amino acid at codon 763. This nucleotide position is not well conserved in available vertebrate species. In silico splice site analysis predicts that this alteration may result in the creation or strengthening of a novel splice donor site. Based on the available evidence, the clinical significance of this variant remains unclear.

Labcorp Genetics (formerly Invitae), Labcorp
Classification: Likely benign for Hypertrophic cardiomyopathy. Last evaluated: 2025-12-08. Review status: criteria provided, single submitter. Criteria: Invitae Variant Classification Sherloc (09022015). Collection method: clinical testing. Allele origin: germline.

All of Us Research Program, National Institutes of Health
Classification: Likely benign for Hypertrophic cardiomyopathy. Last evaluated: 2024-05-31. Review status: criteria provided, single submitter. Criteria: ACMG Guidelines, 2015. Collection method: clinical testing. Allele origin: germline. Inheritance: Autosomal dominant inheritance. Observed: 1 variant allele, 1 heterozygote.
Comment: This study involves interpretation of variants in research participants for the purpose of population health screening. Participant phenotype was not available at the time of variant classification. Additional details can be found in publication PMID: 35346344, PMCID: PMC8962531

Color Diagnostics, LLC DBA Color Health
Classification: Likely benign for Cardiomyopathy. Last evaluated: 2019-07-15. Review status: criteria provided, single submitter. Criteria: ACMG Guidelines, 2015. Collection method: clinical testing. Allele origin: germline.

NM_000256.3(MYBPC3):c.2289C>T (p.Asn763=)

Gene: MYBPC3 (myosin binding protein C3; minus strand). Cytogenetic location: 11p11.2.
Variant type: single nucleotide variant.
Coding change: c.2289C>T on transcript NM_000256.3 (MANE Select); coding-DNA position 2289, C replaced by T.
Protein change: p.Asn763=; no amino-acid change (asparagine 763 retained).
Molecular consequence: synonymous variant.
Genome position (GRCh38, 1-based): chr11:47,338,539, G>A on the plus strand (C>T on the coding strand, the complement: MYBPC3 is on the minus strand). VCF-style: chr11-47338539-G-A. GRCh37 (hg19) VCF-style: chr11-47360090-G-A.
Identifiers: ClinVar variation 925366 (VCV000925366.12), dbSNP rs777228369, ClinGen allele CA078616.